The following is an entry in ClinVar:

NM_001184.4(ATR):c.842T>C (p.Val281Ala)

Gene: ATR (ATR checkpoint kinase; minus strand). Cytogenetic location: 3q23.
Variant type: single nucleotide variant.
Coding change: c.842T>C on transcript NM_001184.4 (MANE Select); coding-DNA position 842, T replaced by C.
Protein change: p.Val281Ala; replaces valine 281 with alanine.
Molecular consequence: missense variant.
Genome position (GRCh38, 1-based): chr3:142,562,560, A>G on the plus strand (T>C on the coding strand, the complement: ATR is on the minus strand). VCF-style: chr3-142562560-A-G. GRCh37 (hg19) VCF-style: chr3-142281402-A-G.
Other names: c.842T>C, p.Val281Ala (NM_001354579.2); short protein forms V281A.
Identifiers: ClinVar variation 2453545 (VCV002453545.2), dbSNP rs2473426885, ClinGen allele CA354825297.

ClinVar aggregate classification (germline): Uncertain significance (1 of 4 stars; one submission).

Conditions:
Inborn genetic diseases. Identifiers: MedGen C0950123, MeSH D030342.

Submission:

Ambry Genetics
Classification: Uncertain significance for Inborn genetic diseases. Last evaluated: 2022-12-15. Review status: criteria provided, single submitter. Criteria: Ambry Variant Classification Scheme 2023. Collection method: clinical testing. Allele origin: germline.
Comment: The p.V281A variant (also known as c.842T>C), located in coding exon 4 of the ATR gene, results from a T to C substitution at nucleotide position 842. The valine at codon 281 is replaced by alanine, an amino acid with similar properties. This amino acid position is conserved. In addition, this alteration is predicted to be tolerated by in silico analysis. Since supporting evidence is limited at this time, the clinical significance of this alteration remains unclear.